The following is an entry in ClinVar:

NM_198578.4(LRRK2):c.4531T>G (p.Phe1511Val)

Gene: LRRK2 (leucine rich repeat kinase 2; plus strand). Cytogenetic location: 12q12.
Variant type: single nucleotide variant.
Coding change: c.4531T>G on transcript NM_198578.4 (MANE Select); coding-DNA position 4531, T replaced by G.
Protein change: p.Phe1511Val; replaces phenylalanine 1511 with valine.
Molecular consequence: missense variant.
Genome position (GRCh38, 1-based): chr12:40,310,644, T>G. VCF-style: chr12-40310644-T-G. GRCh37 (hg19) VCF-style: chr12-40704446-T-G.
Other names: short protein forms F1511V.
Identifiers: ClinVar variation 1741287 (VCV001741287.2), dbSNP rs1592270620, ClinGen allele CA384418709.

ClinVar aggregate classification (germline): Uncertain significance (1 of 4 stars; one submission).

Conditions:
Inborn genetic diseases. Identifiers: MedGen C0950123, MeSH D030342.

Submission:

Ambry Genetics
Classification: Uncertain significance for Inborn genetic diseases. Last evaluated: 2022-09-26. Review status: criteria provided, single submitter. Criteria: Ambry Variant Classification Scheme 2023. Collection method: clinical testing. Allele origin: germline.
Comment: The p.F1511V variant (also known as c.4531T>G), located in coding exon 31 of the LRRK2 gene, results from a T to G substitution at nucleotide position 4531. The phenylalanine at codon 1511 is replaced by valine, an amino acid with highly similar properties. This amino acid position is conserved. In addition, this alteration is predicted to be deleterious by in silico analysis. Since supporting evidence is limited at this time, the clinical significance of this alteration remains unclear.